The following is an entry in ClinVar:

ClinVar aggregate classification (germline): Uncertain significance (1 of 4 stars; one submission).

Submission:

Labcorp Genetics (formerly Invitae), Labcorp
Classification: Uncertain significance. Last evaluated: 2024-02-05. Review status: criteria provided, single submitter. Criteria: Invitae Variant Classification Sherloc (09022015). Collection method: clinical testing. Allele origin: germline.
Comment: This sequence change replaces proline, which is neutral and non-polar, with leucine, which is neutral and non-polar, at codon 957 of the EGF protein (p.Pro957Leu). This variant is not present in population databases (gnomAD no frequency). This variant has not been reported in the literature in individuals affected with EGF-related conditions. Algorithms developed to predict the effect of missense changes on protein structure and function output the following: SIFT: "Not Available"; PolyPhen-2: "Benign"; Align-GVGD: "Not Available". The leucine amino acid residue is found in multiple mammalian species, which suggests that this missense change does not adversely affect protein function. In summary, the available evidence is currently insufficient to determine the role of this variant in disease. Therefore, it has been classified as a Variant of Uncertain Significance.

NM_001963.6(EGF):c.2870C>T (p.Pro957Leu)

Genes: EGF (epidermal growth factor; plus strand), LOC129992959 (ATAC-STARR-seq lymphoblastoid active region 21813; plus strand). Cytogenetic location: 4q25.
Variant type: single nucleotide variant.
Coding change: c.2870C>T on transcript NM_001963.6 (MANE Select); coding-DNA position 2870, C replaced by T.
Protein change: p.Pro957Leu; replaces proline 957 with leucine.
Molecular consequence: missense variant.
Genome position (GRCh38, 1-based): chr4:109,994,745, C>T. VCF-style: chr4-109994745-C-T. GRCh37 (hg19) VCF-style: chr4-110915901-C-T.
Other names: c.2747C>T, p.Pro916Leu (NM_001178130.3); c.2744C>T, p.Pro915Leu (NM_001178131.3); c.2501C>T, p.Pro834Leu (NM_001357021.2); short protein forms P834L, P915L, P916L, P957L.
Identifiers: ClinVar variation 3619596 (VCV003619596.2).